The following is an entry in ClinVar:

ClinVar aggregate classification (germline): Uncertain significance. Review status: criteria provided, multiple submitters, no conflicts (2 of 4 stars). 2 submissions from 2 submitters: Uncertain significance (2). Last evaluated 2025-04-18.

Conditions:
Rhabdoid tumor predisposition syndrome 2 (RTPS2). Identifiers: Orphanet 231108, Orphanet 69077, MedGen C2750074, MONDO:0013224, OMIM 613325.
Hereditary cancer-predisposing syndrome. Also called: Neoplastic Syndromes, Hereditary; Hereditary neoplastic syndrome; Hereditary Cancer Syndrome; Tumor predisposition. Identifiers: Orphanet 140162, MedGen C0027672, MeSH D009386, MONDO:0015356.

Submissions (2):

Ambry Genetics
Classification: Uncertain significance for Hereditary cancer-predisposing syndrome. Last evaluated: 2025-04-18. Review status: criteria provided, single submitter. Criteria: Ambry Variant Classification Scheme 2023. Collection method: clinical testing. Allele origin: germline.
Comment: The c.737_738ins42 variant (also known as p.G233_P246dup), located in coding exon 3 of the SMARCA4 gene, results from an in-frame 42 nucleotide insertion of CGGCCCTGGCCCTGGCCCCGGCCCGGGTCCCGGCCCGGCACC at nucleotide positions 737 to 738. This results in the insertion of an extra residue between codons 233 and 246. In addition, this alteration is predicted to be deleterious by in silico analysis (Choi Y et al. PLoS ONE. 2012; 7(10):e46688). Based on the available evidence, the clinical significance of this variant remains unclear.

Labcorp Genetics (formerly Invitae), Labcorp
Classification: Uncertain significance for Rhabdoid tumor predisposition syndrome 2. Last evaluated: 2024-01-11. Review status: criteria provided, single submitter. Criteria: Invitae Variant Classification Sherloc (09022015). Collection method: clinical testing. Allele origin: germline.
Comment: This variant, c.737_738insCGGCCCTGGCCCTGGCCCCGGCCCGGGTCCCGGCCCGGCACC, results in the insertion of 14 amino acid(s) of the SMARCA4 protein (p.Gly233_Pro246dup), but otherwise preserves the integrity of the reading frame. This variant is not present in population databases (gnomAD no frequency). This variant has not been reported in the literature in individuals affected with SMARCA4-related conditions. In summary, the available evidence is currently insufficient to determine the role of this variant in disease. Therefore, it has been classified as a Variant of Uncertain Significance.

NM_003072.5(SMARCA4):c.737_738insCGGCCCTGGCCCTGGCCCCGGCCCGGGTCCCGGCCCGGCACC (p.Pro246_Pro247insGlyProGlyProGlyProGlyProGlyProGlyProAlaPro)

Gene: SMARCA4 (SWI/SNF related BAF chromatin remodeling complex subunit ATPase 4; plus strand). Cytogenetic location: 19p13.2.
Variant type: Microsatellite.
Coding change: c.737_738insCGGCCCTGGCCCTGGCCCCGGCCCGGGTCCCGGCCCGGCACC on transcript NM_003072.5 (MANE Select); coding-DNA positions 737 to 738, CGGCCCTGGCCCTGGCCCCGGCCCGGGTCCCGGCCCGGCACC inserted.
Protein change: p.Pro246_Pro247insGlyProGlyProGlyProGlyProGlyProGlyProAlaPro.
Molecular consequence: inframe insertion. On other transcripts: non-coding transcript variant (1).
Genome position: GRCh38: chr19:10,986,530-10,986,570. GRCh37 (hg19), VCF-style position (the base before the change): chr19:11,097,205.
Other names: c.737_738insCGGCCCTGGCCCTGGCCCCGGCCCGGGTCCCGGCCCGGCACC, p.Pro246_Pro247insGlyProGlyProGlyProGlyProGlyProGlyProAlaPro (NM_001128844.3, NM_001128845.2, NM_001128846.2 and 6 more transcripts); c.737_738insCGGCCCTGGCCCTGGCCCCGGCCCGGGTCCCGGCCCGGCACC (NM_001128849.1).
Identifiers: ClinVar variation 2973355 (VCV002973355.4), dbSNP rs2514005111.